The following is an entry in ClinVar:

NM_006231.4(POLE):c.664del (p.Arg222fs)

Gene: POLE (DNA polymerase epsilon, catalytic subunit; minus strand). Cytogenetic location: 12q24.33.
Variant type: Deletion.
Coding change: c.664del on transcript NM_006231.4 (MANE Select); coding-DNA position 664, one base deleted (C; older notation c.664delC).
Protein change: p.Arg222fs; shifts the reading frame from arginine 222.
Molecular consequence: frameshift variant.
Genome position (GRCh38, 1-based): chr12:132,677,634, G deleted on the plus strand (C on the coding strand, the reverse complement: POLE is on the minus strand). VCF-style (leftmost placement, unchanged base first): chr12-132677633-CG-C. GRCh37 (hg19) VCF-style: chr12-133254219-CG-C.
Other names: short protein forms R222fs.
Identifiers: ClinVar variation 2754615 (VCV002754615.3), dbSNP rs2542179809, ClinGen allele CA2697551628.

ClinVar aggregate classification (germline): Pathogenic (1 of 4 stars; one submission).

Submission:

Labcorp Genetics (formerly Invitae), Labcorp
Classification: Pathogenic. Last evaluated: 2023-08-23. Review status: criteria provided, single submitter. Criteria: Invitae Variant Classification Sherloc (09022015). Collection method: clinical testing. Allele origin: germline.
Comment: This sequence change creates a premature translational stop signal (p.Arg222Alafs*15) in the POLE gene. It is expected to result in an absent or disrupted protein product. Loss-of-function variants in POLE are known to be pathogenic (PMID: 23230001, 25948378, 30503519). This variant is not present in population databases (gnomAD no frequency). This variant has not been reported in the literature in individuals affected with POLE-related conditions. For these reasons, this variant has been classified as Pathogenic.

Literature cited by the submitters: PubMed 23230001; PubMed 25948378; PubMed 30503519.